The following is an entry in ClinVar:

ClinVar aggregate classification (germline): Uncertain significance. Review status: criteria provided, multiple submitters, no conflicts (2 of 4 stars). 4 submissions from 4 submitters: Uncertain significance (4). Last evaluated 2025-09-03.

Allele frequency attached by ClinVar (database versions not stated): gnomAD exomes 0.00001 and 0.00003; gnomAD 0.00002; TOPMed 0.00002; ExAC 0.00003.
gnomAD v4.1: 18 of 1,599,066 alleles (0.0011%); highest among the groups gnomAD compares: East Asian, 0.014%; no homozygotes.

Submissions (4):

Labcorp Genetics (formerly Invitae), Labcorp
Classification: Uncertain significance. Last evaluated: 2025-09-03. Review status: criteria provided, single submitter. Criteria: Invitae Variant Classification Sherloc (09022015). Collection method: clinical testing. Allele origin: germline.
Comment: This sequence change replaces threonine, which is neutral and polar, with alanine, which is neutral and non-polar, at codon 566 of the RECQL protein (p.Thr566Ala). This variant is present in population databases (rs753260342, gnomAD 0.04%). This variant has not been reported in the literature in individuals affected with RECQL-related conditions. ClinVar contains an entry for this variant (Variation ID: 1010899). Invitae Evidence Modeling of protein sequence and biophysical properties (such as structural, functional, and spatial information, amino acid conservation, physicochemical variation, residue mobility, and thermodynamic stability) indicates that this missense variant is not expected to disrupt RECQL protein function with a negative predictive value of 80%. In summary, the available evidence is currently insufficient to determine the role of this variant in disease. Therefore, it has been classified as a Variant of Uncertain Significance.

Quest Diagnostics Nichols Institute San Juan Capistrano
Classification: Uncertain significance. Last evaluated: 2025-01-23. Review status: criteria provided, single submitter. Criteria: Quest Diagnostics criteria. Collection method: clinical testing. Allele origin: unknown.
Comment: The RECQL c.1696A>G (p.Thr566Ala) variant has been identified in individuals with breast cancer as well as reportedly healthy individuals (PMID: 33471991 (2021), see also LOVD). The frequency of this variant in the general population (Genome Aggregation Database) is uninformative in the assessment of its pathogenicity. Analysis of this variant using bioinformatics tools for the prediction of the effect of amino acid changes on protein structure and function yielded predictions that this variant is damaging. Based on the available information, we are unable to determine the clinical significance of this variant.

Ambry Genetics
Classification: Uncertain significance. Last evaluated: 2024-01-19. Review status: criteria provided, single submitter. Criteria: Ambry Variant Classification Scheme 2023. Collection method: clinical testing. Allele origin: germline.
Comment: The p.T566A variant (also known as c.1696A>G), located in coding exon 13 of the RECQL gene, results from an A to G substitution at nucleotide position 1696. The threonine at codon 566 is replaced by alanine, an amino acid with similar properties. This amino acid position is highly conserved in available vertebrate species. In addition, the in silico prediction for this alteration is inconclusive. The evidence for this gene-disease relationship is limited; therefore, the clinical significance of this alteration is unclear.

GeneDx
Classification: Uncertain significance. Last evaluated: 2023-05-08. Review status: criteria provided, single submitter. Criteria: GeneDx Variant Classification Process June 2021. Collection method: clinical testing. Allele origin: germline. Affected: yes.
Comment: In silico analysis supports that this missense variant has a deleterious effect on protein structure/function; Has not been previously published as pathogenic or benign to our knowledge; This variant is associated with the following publications: (PMID: 15096578, 27248010, 19151156)

Literature cited by the submitters: PubMed 33471991 (cited by Quest Diagnostics Nichols Institute San Juan Capistrano); PubMed 15096578 (cited by Quest Diagnostics Nichols Institute San Juan Capistrano).

NM_002907.4(RECQL):c.1696A>G (p.Thr566Ala)

Genes: PYROXD1 (pyridine nucleotide-disulphide oxidoreductase domain 1; plus strand), RECQL (RecQ like helicase; minus strand). Cytogenetic location: 12p12.1.
Variant type: single nucleotide variant.
Coding change: c.1696A>G on transcript NM_002907.4 (MANE Select); coding-DNA position 1696, A replaced by G.
Protein change: p.Thr566Ala; replaces threonine 566 with alanine.
Molecular consequence: missense variant. On other transcripts: 3 prime UTR variant (3).
Genome position (GRCh38, 1-based): chr12:21,471,070, T>C on the plus strand (A>G on the coding strand, the complement: RECQL is on the minus strand). VCF-style: chr12-21471070-T-C. GRCh37 (hg19) VCF-style: chr12-21624004-T-C.
Other names: c.1696A>G, p.Thr566Ala (NM_032941.3); c.*2316T>C (NM_001350912.2, NM_001350913.2, NM_024854.5); short protein forms T566A.
Identifiers: ClinVar variation 1010899 (VCV001010899.15), dbSNP rs753260342, ClinGen allele CA6478673.